The following is an entry in ClinVar:

ClinVar aggregate classification (germline): Uncertain significance (1 of 4 stars; one submission).

Submission:

GeneDx
Classification: Uncertain significance. Last evaluated: 2026-04-24. Review status: criteria provided, single submitter. Criteria: GeneDx Variant Classification Process June 2021. Collection method: clinical testing. Allele origin: germline.
Comment: Not observed at significant frequency in large population cohorts (gnomAD); Intronic +5 splice site variant in a gene for which loss of function is a known mechanism of disease, and both splice predictors and evolutionary conservation support a deleterious effect, although in the absence of functional evidence the actual effect of this sequence change is unknown.; Has not been previously published as pathogenic or benign to our knowledge.

NM_001378452.1(ITPR1):c.6291+5G>A

Gene: ITPR1 (inositol 1,4,5-trisphosphate receptor type 1; plus strand). Cytogenetic location: 3p26.1.
Variant type: single nucleotide variant.
Coding change: c.6291+5G>A on transcript NM_001378452.1 (MANE Select); 5 bases into the intron after coding-DNA position 6291, G replaced by A.
Molecular consequence: intron variant.
Genome position (GRCh38, 1-based): chr3:4,777,379, G>A. VCF-style: chr3-4777379-G-A. GRCh37 (hg19) VCF-style: chr3-4819063-G-A.
Other names: c.6147+5G>A (NM_001099952.4); c.6246+5G>A (NM_001168272.2); c.6102+5G>A (NM_002222.7).
Identifiers: ClinVar variation 5037250 (VCV005037250.1).
Genomic context (GRCh38, chr3:4,777,379, plus strand): 5'-TCAATGATATCAATCCTTTGGGAAAGAAGAGGATGGACCTTGTGTTAGAACTGAAGGCAA[G>A]TAGGAATTAAAAGCAGAAGACAGTCATTTGGAAACAGTCACTTTTGTGTTTTGCCTTGGC-3'